The following is an entry in ClinVar:

ClinVar aggregate classification (germline): Uncertain significance. Review status: criteria provided, multiple submitters, no conflicts (2 of 4 stars). 2 submissions from 2 submitters: Uncertain significance (2). Last evaluated 2025-12-22.

Conditions:
Inborn genetic diseases. Identifiers: MedGen C0950123, MeSH D030342.

gnomAD v4.1: 36 of 1,612,616 alleles (0.0022%); highest among the groups gnomAD compares: African/African-American, 0.0027%; no homozygotes.

Submissions (2):

Labcorp Genetics (formerly Invitae), Labcorp
Classification: Uncertain significance. Last evaluated: 2025-12-22. Review status: criteria provided, single submitter. Criteria: Invitae Variant Classification Sherloc (09022015). Collection method: clinical testing. Allele origin: germline.
Comment: This sequence change replaces arginine, which is basic and polar, with histidine, which is basic and polar, at codon 766 of the TNNI3K protein (p.Arg766His). This variant is present in population databases (rs201340993, gnomAD 0.003%). This variant has not been reported in the literature in individuals affected with TNNI3K-related conditions. ClinVar contains an entry for this variant (Variation ID: 1354549). An algorithm developed to predict the effect of missense changes on protein structure and function (PolyPhen-2) suggests that this variant is likely to be tolerated. In summary, the available evidence is currently insufficient to determine the role of this variant in disease. Therefore, it has been classified as a Variant of Uncertain Significance.

Ambry Genetics
Classification: Uncertain significance for Inborn genetic diseases. Last evaluated: 2024-10-26. Review status: criteria provided, single submitter. Criteria: Ambry Variant Classification Scheme 2023. Collection method: clinical testing. Allele origin: germline.

NM_015978.3(TNNI3K):c.2297G>A (p.Arg766His)

Genes: TNNI3K (TNNI3 interacting kinase; plus strand), FPGT-TNNI3K (FPGT-TNNI3K readthrough; plus strand), LRRC53 (leucine rich repeat containing 53; minus strand). Cytogenetic location: 1p31.1.
Variant type: single nucleotide variant.
Coding change: c.2297G>A on transcript NM_015978.3 (MANE Select); coding-DNA position 2297, G replaced by A.
Protein change: p.Arg766His; replaces arginine 766 with histidine.
Molecular consequence: missense variant. On other transcripts: intron variant (2).
Genome position (GRCh38, 1-based): chr1:74,492,212, G>A. VCF-style: chr1-74492212-G-A. GRCh37 (hg19) VCF-style: chr1-74957896-G-A.
Other names: c.2600G>A, p.Arg867His (NM_001112808.3); c.-8-11244C>T (NM_001364666.2); c.-26-8837C>T (NM_001382280.1); c.2297G>A (NM_015978.2); short protein forms R766H, R867H.
Identifiers: ClinVar variation 1354549 (VCV001354549.7), dbSNP rs201340993, ClinGen allele CA909843.